The following is an entry in ClinVar:

ClinVar aggregate classification (germline): Pathogenic. Review status: criteria provided, multiple submitters, no conflicts (2 of 4 stars). 2 submissions from 2 submitters: Pathogenic (2). Last evaluated 2025-04-07.

Conditions:
Neuronal ceroid lipofuscinosis. Also called: Neuronal Ceroid Lipofuscinoses. Identifiers: Orphanet 216, Orphanet 79263, MedGen C0027877, MONDO:0016295. Disease mechanism: loss of function.

Submissions (2):

Myriad Genetics, Inc.
Classification: Pathogenic for Neuronal ceroid lipofuscinosis. Last evaluated: 2025-04-07. Review status: criteria provided, single submitter. Criteria: Myriad Autosomal Dominant, Autosomal Recessive and X-Linked Classification Criteria (2023). Collection method: clinical testing. Allele origin: unknown.
Comment: NM_017882.2(CLN6):c.180dupT(G61Wfs*71) is expected to be pathogenic in the context of neuronal ceroid lipofuscinosis, CLN6-related. This variant is predicted to lead to an abnormal or absent protein product due to the creation of a premature termination codon in CLN6, a gene where loss-of-function variants are known to be pathogenic. Please note: this variant was assessed in the context of healthy population screening.

Labcorp Genetics (formerly Invitae), Labcorp
Classification: Pathogenic for Neuronal ceroid lipofuscinosis. Last evaluated: 2023-03-04. Review status: criteria provided, single submitter. Criteria: Invitae Variant Classification Sherloc (09022015). Collection method: clinical testing. Allele origin: germline.
Comment: This variant has not been reported in the literature in individuals affected with CLN6-related conditions. For these reasons, this variant has been classified as Pathogenic. This variant is not present in population databases (gnomAD no frequency). This sequence change creates a premature translational stop signal (p.Gly61Trpfs*71) in the CLN6 gene. It is expected to result in an absent or disrupted protein product. Loss-of-function variants in CLN6 are known to be pathogenic (PMID: 19135028).

Literature cited by the submitters: PubMed 19135028 (cited by Labcorp Genetics (formerly Invitae), Labcorp).

NM_017882.3(CLN6):c.180dup (p.Gly61fs)

Gene: CLN6 (CLN6 transmembrane ER protein; minus strand). Cytogenetic location: 15q23.
Variant type: Duplication.
Coding change: c.180dup on transcript NM_017882.3 (MANE Select); coding-DNA position 180, one base duplicated (T; older notation c.180dupT).
Protein change: p.Gly61fs; shifts the reading frame from glycine 61.
Molecular consequence: frameshift variant.
Genome position (GRCh38, 1-based): chr15:68,218,554, A duplicated on the plus strand (T on the coding strand, the reverse complement: CLN6 is on the minus strand); the first of 3 consecutive A bases (chr15:68,218,554-68,218,556); duplicating any one gives the same sequence. VCF-style (leftmost placement, unchanged base first): chr15-68218553-C-CA. GRCh37 (hg19) VCF-style: chr15-68510891-C-CA.
Other names: c.276dup, p.Gly93fs (NM_001411068.1); short protein forms G61fs, G93fs.
Identifiers: ClinVar variation 2830675 (VCV002830675.4), dbSNP rs2505421722, ClinGen allele CA2739269529.